The following is an entry in ClinVar:

NM_014679.5(CEP57):c.718A>G (p.Thr240Ala)

Gene: CEP57 (centrosomal protein 57; plus strand). Cytogenetic location: 11q21.
Variant type: single nucleotide variant.
Coding change: c.718A>G on transcript NM_014679.5 (MANE Select); coding-DNA position 718, A replaced by G.
Protein change: p.Thr240Ala; replaces threonine 240 with alanine.
Molecular consequence: missense variant.
Genome position (GRCh38, 1-based): chr11:95,821,889, A>G. VCF-style: chr11-95821889-A-G. GRCh37 (hg19) VCF-style: chr11-95555053-A-G.
Other names: c.691A>G, p.Thr231Ala (NM_001243776.2); c.718A>G, p.Thr240Ala (NM_001243777.2); c.637A>G, p.Thr213Ala (NM_001363604.2); c.718A>G (NM_014679.4); short protein forms T213A, T231A, T240A.
Identifiers: ClinVar variation 2865047 (VCV002865047.4), dbSNP rs2496283490, ClinGen allele CA382404999.
Genomic context (GRCh38, chr11:95,821,889, plus strand): 5'-TTTATTTCTACAGCATTAACTTGAGGCTCTCATTTTTCCTAGTTGCAGACTGGTCTAGAA[A>G]CAAATAGACTTATCTTTGAAGATAAGGCAACTCCGTGTGTTCCCAATGCAAGAAGAATTA-3'
Protein context (NP_055494.2, residues 230-250): KAAELQTGLE[Thr240Ala]NRLIFEDKAT

ClinVar aggregate classification (germline): Uncertain significance. Review status: criteria provided, multiple submitters, no conflicts (2 of 4 stars). 2 submissions from 2 submitters: Uncertain significance (2). Last evaluated 2025-03-06.

Conditions:
Inborn genetic diseases. Identifiers: MedGen C0950123, MeSH D030342.
Mosaic variegated aneuploidy syndrome 2 (MVA2). Identifiers: Orphanet 1052, MedGen C3279843, MONDO:0013582, OMIM 614114.

Allele frequency attached by ClinVar (database versions not stated): gnomAD exomes below 0.00001.
gnomAD v4.1: 1 of 1,611,510 alleles (0.000062%); highest among the groups gnomAD compares: South Asian, 0.0011%; no homozygotes.

Submissions (2):

Ambry Genetics
Classification: Uncertain significance for Inborn genetic diseases. Last evaluated: 2025-03-06. Review status: criteria provided, single submitter. Criteria: Ambry Variant Classification Scheme 2023. Collection method: clinical testing. Allele origin: germline.
Comment: The p.T240A variant (also known as c.718A>G), located in coding exon 7 of the CEP57 gene, results from an A to G substitution at nucleotide position 718. The threonine at codon 240 is replaced by alanine, an amino acid with similar properties. This amino acid position is conserved. In addition, this alteration is predicted to be tolerated by in silico analysis. Based on the available evidence, the clinical significance of this variant remains unclear.

Labcorp Genetics (formerly Invitae), Labcorp
Classification: Uncertain significance for Mosaic variegated aneuploidy syndrome 2. Last evaluated: 2022-12-29. Review status: criteria provided, single submitter. Criteria: Invitae Variant Classification Sherloc (09022015). Collection method: clinical testing. Allele origin: germline.
Comment: This variant is not present in population databases (gnomAD no frequency). In summary, the available evidence is currently insufficient to determine the role of this variant in disease. Therefore, it has been classified as a Variant of Uncertain Significance. Advanced modeling of protein sequence and biophysical properties (such as structural, functional, and spatial information, amino acid conservation, physicochemical variation, residue mobility, and thermodynamic stability) performed at Invitae indicates that this missense variant is not expected to disrupt CEP57 protein function. This variant has not been reported in the literature in individuals affected with CEP57-related conditions. This sequence change replaces threonine, which is neutral and polar, with alanine, which is neutral and non-polar, at codon 240 of the CEP57 protein (p.Thr240Ala).